The following is an entry in ClinVar:

NM_018139.3(DNAAF2):c.1445G>C (p.Gly482Ala)

Gene: DNAAF2 (dynein axonemal assembly factor 2; minus strand). Cytogenetic location: 14q21.3.
Variant type: single nucleotide variant.
Coding change: c.1445G>C on transcript NM_018139.3 (MANE Select); coding-DNA position 1445, G replaced by C.
Protein change: p.Gly482Ala; replaces glycine 482 with alanine.
Molecular consequence: missense variant. On other transcripts: 5 prime UTR variant (1).
Genome position (GRCh38, 1-based): chr14:49,633,705, C>G on the plus strand (G>C on the coding strand, the complement: DNAAF2 is on the minus strand). VCF-style: chr14-49633705-C-G. GRCh37 (hg19) VCF-style: chr14-50100423-C-G.
Other names: c.1445G>C, p.Gly482Ala (NM_001083908.2); c.-427G>C (NM_001378453.1); short protein forms G482A.
Identifiers: ClinVar variation 525333 (VCV000525333.9), dbSNP rs1427910863, ClinGen allele CA389627439.

ClinVar aggregate classification (germline): Uncertain significance (1 of 4 stars; one submission).

Conditions:
Primary ciliary dyskinesia. Also called: Ciliary dyskinesia. Identifiers: Orphanet 244, MedGen C0008780, MONDO:0016575, HP:0012265.

Submission:

Labcorp Genetics (formerly Invitae), Labcorp
Classification: Uncertain significance for Primary ciliary dyskinesia. Last evaluated: 2017-09-27. Review status: criteria provided, single submitter. Criteria: Invitae Variant Classification Sherloc (09022015). Collection method: clinical testing. Allele origin: germline.
Comment: Algorithms developed to predict the effect of missense changes on protein structure and function output the following: SIFT: "Tolerated"; PolyPhen-2: "Benign"; Align-GVGD: "Class C0". The alanine amino acid residue is found in multiple mammalian species, suggesting that this missense change does not adversely affect protein function. These predictions have not been confirmed by published functional studies and their clinical significance is uncertain. This variant has not been reported in the literature in individuals with DNAAF2-related disease. This variant is not present in population databases (ExAC no frequency). This sequence change replaces glycine with alanine at codon 482 of the DNAAF2 protein (p.Gly482Ala). The glycine residue is weakly conserved and there is a small physicochemical difference between glycine and alanine. In summary, the available evidence is currently insufficient to determine the role of this variant in disease. Therefore, it has been classified as a Variant of Uncertain Significance.